The following is an entry in ClinVar:

NM_000313.4(PROS1):c.785del (p.Gly262fs)

Gene: PROS1 (protein S; minus strand). Cytogenetic location: 3q11.1.
Variant type: Deletion.
Coding change: c.785del on transcript NM_000313.4 (MANE Select); coding-DNA position 785, one base deleted (G; older notation c.785delG).
Protein change: p.Gly262fs; shifts the reading frame from glycine 262.
Molecular consequence: frameshift variant.
Genome position (GRCh38, 1-based): chr3:93,898,512, C deleted on the plus strand (G on the coding strand, the reverse complement: PROS1 is on the minus strand); the first of 2 consecutive C bases (chr3:93,898,512-93,898,513); deleting either gives the same sequence. VCF-style (leftmost placement, unchanged base first): chr3-93898511-AC-A. GRCh37 (hg19) VCF-style: chr3-93617355-AC-A.
Other names: c.881del, p.Gly294fs (NM_001314077.2); c.785delG (NM_000313.3); short protein forms G294fs, G262fs.
Identifiers: ClinVar variation 627385 (VCV000627385.3), dbSNP rs1576182838, ClinGen allele CA915941516.

ClinVar aggregate classification (germline): Pathogenic. Review status: criteria provided, single submitter (1 of 4 stars). 2 submissions from 2 submitters: Pathogenic (1). 1 of the submissions does not count toward it. Last evaluated 2019-02-01.

Conditions:
Protein S deficiency disease. Also called: Protein S deficiency. Identifiers: MedGen C0242666, MeSH D018455, MONDO:0002304.

Submissions (2):

NIHR Bioresource Rare Diseases, University of Cambridge
Classification: Pathogenic for Reduced protein S activity. Last evaluated: 2019-02-01. Review status: criteria provided, single submitter. Criteria: ACMG Guidelines, 2015. Collection method: research. Allele origin: unknown. Affected: yes. Observed: 1 heterozygote. Study: ThromboGenomics.

ISTH-SSC Genomics in Thrombosis and Hemostasis, KU Leuven, Center for Molecular and Vascular Biology
Classification: Likely pathogenic for Protein S deficiency disease. Review status: no assertion criteria provided. Collection method: clinical testing. Allele origin: germline. Affected: yes. Not counted in ClinVar's aggregate classification.
Comment: Submitted to GoldVariant by Bilal Jradeh from Katharine Dormandy Haemophilia and Thrombosis Centre, Royal Free Hospital, London, UK

Literature cited by the submitters: PubMed 31064749 (cited by NIHR Bioresource Rare Diseases, University of Cambridge).